The following is an entry in ClinVar:

NM_001127222.2(CACNA1A):c.4193T>C (p.Phe1398Ser)

Genes: CACNA1A (calcium voltage-gated channel subunit alpha1 A; minus strand), LOC126862864 (MED14-independent group 3 enhancer GRCh37_chr19:13371552-13372751; plus strand). Cytogenetic location: 19p13.13.
Variant type: single nucleotide variant.
Coding change: c.4193T>C on transcript NM_001127222.2 (MANE Select); coding-DNA position 4193, T replaced by C.
Protein change: p.Phe1398Ser; replaces phenylalanine 1398 with serine.
Molecular consequence: missense variant.
Genome position (GRCh38, 1-based): chr19:13,261,507, A>G on the plus strand (T>C on the coding strand, the complement: CACNA1A is on the minus strand). VCF-style: chr19-13261507-A-G. GRCh37 (hg19) VCF-style: chr19-13372321-A-G.
Other names: c.4205T>C, p.Phe1402Ser (NM_000068.4, NM_023035.3); c.4196T>C, p.Phe1399Ser (NM_001127221.2, NM_001174080.2); short protein forms F1402S, F1398S, F1399S.
Identifiers: ClinVar variation 2032867 (VCV002032867.4), dbSNP rs2512759316, ClinGen allele CA404339662.

ClinVar aggregate classification (germline): Uncertain significance (1 of 4 stars; one submission).

Conditions:
Episodic ataxia type 2 (EA2). Also called: ATAXIA, EPISODIC, WITH NYSTAGMUS; ATAXIA, FAMILIAL PAROXYSMAL; CEREBELLAR ATAXIA, PAROXYSMAL, ACETAZOLAMIDE-RESPONSIVE; CEREBELLOPATHY, HEREDITARY PAROXYSMAL; ACETAZOLAMIDE-RESPONSIVE HEREDITARY PAROXYSMAL CEREBELLAR ATAXIA; EPISODIC ATAXIA, NYSTAGMUS-ASSOCIATED. Identifiers: Orphanet 97, MedGen C1720416, MONDO:0007163, OMIM 108500.
Developmental and epileptic encephalopathy, 42 (DEE42A). Also called: Epileptic encephalopathy, early infantile, 42; DEVELOPMENTAL AND EPILEPTIC ENCEPHALOPATHY 42A; EPILEPTIC ENCEPHALOPATHY, EARLY INFANTILE, 42A. Identifiers: MedGen C4310716, MONDO:0014917, OMIM 617106.

Submission:

Labcorp Genetics (formerly Invitae), Labcorp
Classification: Uncertain significance for Developmental and epileptic encephalopathy, 42; Episodic ataxia type 2. Last evaluated: 2024-08-14. Review status: criteria provided, single submitter. Criteria: Invitae Variant Classification Sherloc (09022015). Collection method: clinical testing. Allele origin: germline.
Comment: This sequence change replaces phenylalanine, which is neutral and non-polar, with serine, which is neutral and polar, at codon 1399 of the CACNA1A protein (p.Phe1399Ser). This variant is not present in population databases (gnomAD no frequency). This variant has not been reported in the literature in individuals affected with CACNA1A-related conditions. ClinVar contains an entry for this variant (Variation ID: 2032867). Invitae Evidence Modeling of protein sequence and biophysical properties (such as structural, functional, and spatial information, amino acid conservation, physicochemical variation, residue mobility, and thermodynamic stability) indicates that this missense variant is expected to disrupt CACNA1A protein function with a positive predictive value of 95%. In summary, the available evidence is currently insufficient to determine the role of this variant in disease. Therefore, it has been classified as a Variant of Uncertain Significance.